The following is an entry in ClinVar:

NM_001009944.3(PKD1):c.10760del (p.Ala3587fs)

Genes: PKD1 (polycystin 1, transient receptor potential channel interacting; minus strand), PKD1-AS1 (PKD1 antisense RNA 1; plus strand). Cytogenetic location: 16p13.3.
Variant type: Deletion.
Coding change: c.10760del on transcript NM_001009944.3 (MANE Select); coding-DNA position 10760, one base deleted (C; older notation c.10760delC).
Protein change: p.Ala3587fs; shifts the reading frame from alanine 3587.
Molecular consequence: frameshift variant.
Genome position (GRCh38, 1-based): chr16:2,093,872, G deleted on the plus strand (C on the coding strand, the reverse complement: PKD1 is on the minus strand). VCF-style (leftmost placement, unchanged base first): chr16-2093871-CG-C. GRCh37 (hg19) VCF-style: chr16-2143872-CG-C.
Other names: c.10757del, p.Ala3586fs (NM_000296.4); short protein forms A3586fs, A3587fs.
Identifiers: ClinVar variation 3906967 (VCV003906967.2).

ClinVar aggregate classification (germline): Pathogenic (1 of 4 stars; one submission).

Conditions:
Polycystic kidney disease, adult type (PKD1). Also called: Polycystic Kidney Disease 1, Autosomal Dominant; Polycystic kidney disease 1; Polycystic kidney disease 1, severe; Polycystic Kidney, Autosomal Dominant; POLYCYSTIC KIDNEY DISEASE 1 WITH OR WITHOUT POLYCYSTIC LIVER DISEASE; POLYCYSTIC KIDNEY DISEASE, ADULT, TYPE I. Identifiers: MedGen C3149841, MONDO:0008263, OMIM 173900.

Submission:

Juno Genomics, Hangzhou Juno Genomics, Inc
Classification: Pathogenic for Polycystic kidney disease, adult type. Review status: criteria provided, single submitter. Criteria: ACMG Guidelines, 2015. Collection method: clinical testing. Allele origin: germline. Affected: yes.
Comment: Absent from controls (or at extremely low frequency if recessive) in Genome Aggregation Database, Exome Sequencing Project, 1000 Genomes Project, or Exome Aggregation Consortium.;Null variant in a gene where loss of function (LOF) is a known mechanism of disease.;Patient's phenotype or family history is highly specific for a disease with a single genetic etiology.